The following is an entry in ClinVar:

ClinVar aggregate classification (germline): Uncertain significance. Review status: criteria provided, multiple submitters, no conflicts (2 of 4 stars). 2 submissions from 2 submitters: Uncertain significance (2). Last evaluated 2023-08-15.

Conditions:
Retinoblastoma (RB1). Also called: RETINOBLASTOMA, SOMATIC. Identifiers: Orphanet 790, MedGen C0035335, MeSH D012175, MONDO:0008380, OMIM 180200, HP:0009919. Disease mechanism: loss of function. Inheritance: Both sporadic and heritable forms are tested..
Hereditary cancer-predisposing syndrome. Also called: Neoplastic Syndromes, Hereditary; Tumor predisposition; Hereditary neoplastic syndrome; Hereditary Cancer Syndrome. Identifiers: Orphanet 140162, MedGen C0027672, MeSH D009386, MONDO:0015356.

Submissions (2):

All of Us Research Program, National Institutes of Health
Classification: Uncertain significance for Retinoblastoma. Last evaluated: 2023-08-15. Review status: criteria provided, single submitter. Criteria: ACMG Guidelines, 2015. Collection method: clinical testing. Allele origin: germline. Inheritance: Autosomal dominant inheritance. Observed: 1 variant allele, 1 heterozygote.
Comment: This study involves interpretation of variants in research participants for the purpose of population health screening. Participant phenotype was not available at the time of variant classification. Additional details can be found in publication PMID: 35346344, PMCID: PMC8962531

Ambry Genetics
Classification: Uncertain significance for Hereditary cancer-predisposing syndrome. Last evaluated: 2023-02-28. Review status: criteria provided, single submitter. Criteria: Ambry Variant Classification Scheme 2023. Collection method: clinical testing. Allele origin: germline.
Comment: The p.N767D variant (also known as c.2299A>G), located in coding exon 22 of the RB1 gene, results from an A to G substitution at nucleotide position 2299. The asparagine at codon 767 is replaced by aspartic acid, an amino acid with highly similar properties. This amino acid position is conserved. In addition, the in silico prediction for this alteration is inconclusive. Since supporting evidence is limited at this time, the clinical significance of this alteration remains unclear.

NM_000321.3(RB1):c.2299A>G (p.Asn767Asp)

Gene: RB1 (RB transcriptional corepressor 1; plus strand). Cytogenetic location: 13q14.2.
Variant type: single nucleotide variant.
Coding change: c.2299A>G on transcript NM_000321.3 (MANE Select); coding-DNA position 2299, A replaced by G.
Protein change: p.Asn767Asp; replaces asparagine 767 with aspartic acid.
Molecular consequence: missense variant.
Genome position (GRCh38, 1-based): chr13:48,465,085, A>G. VCF-style: chr13-48465085-A-G. GRCh37 (hg19) VCF-style: chr13-49039221-A-G.
Other names: c.2299A>G, p.Asn767Asp (NM_001407165.1); short protein forms N767D.
Identifiers: ClinVar variation 2450524 (VCV002450524.3), dbSNP rs2138344953, ClinGen allele CA388167677.